The following is an entry in ClinVar:

ClinVar aggregate classification (germline): Uncertain significance (0 of 4 stars; one submission).

Conditions:
GNAO1-related disorder. Also called: GNAO1-related condition; GNAO1-Related Disorders. Identifiers: MedGen CN381308.

Submission:

PreventionGenetics, part of Exact Sciences
Classification: Uncertain significance for GNAO1-related condition. Last evaluated: 2024-09-16. Review status: no assertion criteria provided. Collection method: clinical testing. Allele origin: germline.
Comment: The GNAO1 c.1009G>A variant is predicted to result in the amino acid substitution p.Asp337Asn. To our knowledge, this variant has not been reported in the literature. This variant is reported in 0.00088% of alleles in individuals of European (Non-Finnish) descent in gnomAD. At this time, the clinical significance of this variant is uncertain due to the absence of conclusive functional and genetic evidence.

NM_020988.3(GNAO1):c.723+7034G>A

Gene: GNAO1 (G protein subunit alpha o1; plus strand). Cytogenetic location: 16q13.
Variant type: single nucleotide variant.
Coding change: c.723+7034G>A on transcript NM_020988.3 (MANE Select); 7034 bases into the intron after coding-DNA position 723, G replaced by A.
Molecular consequence: intron variant. On other transcripts: missense variant (1).
Genome position (GRCh38, 1-based): chr16:56,343,894, G>A. VCF-style: chr16-56343894-G-A. GRCh37 (hg19) VCF-style: chr16-56377806-G-A.
Other names: c.1009G>A, p.Asp337Asn (NM_138736.3); short protein forms D337N.
Identifiers: ClinVar variation 3357431 (VCV003357431.1).